The following is an entry in ClinVar:

NM_014009.4(FOXP3):c.1106G>A (p.Arg369His)

Gene: FOXP3 (forkhead box P3; minus strand). Cytogenetic location: Xp11.23.
Variant type: single nucleotide variant.
Coding change: c.1106G>A on transcript NM_014009.4 (MANE Select); coding-DNA position 1106, G replaced by A.
Protein change: p.Arg369His; replaces arginine 369 with histidine.
Molecular consequence: missense variant.
Genome position (GRCh38, 1-based): chrX:49,251,704, C>T on the plus strand (G>A on the coding strand, the complement: FOXP3 is on the minus strand). VCF-style: chrX-49251704-C-T. GRCh37 (hg19) VCF-style: chrX-49108165-C-T.
Other names: c.1001G>A, p.Arg334His (NM_001114377.2); short protein forms R334H, R369H.
Identifiers: ClinVar variation 1354456 (VCV001354456.9), dbSNP rs782443295, ClinGen allele CA10411663.

ClinVar aggregate classification (germline): Uncertain significance. Review status: criteria provided, multiple submitters, no conflicts (2 of 4 stars). 2 submissions from 2 submitters: Uncertain significance (2). Last evaluated 2025-01-29.

Conditions:
Insulin-dependent diabetes mellitus secretory diarrhea syndrome (IPEX). Also called: Immunodysregulation, polyendocrinopathy, and enteropathy, X-linked; Immune dysregulation-polyendocrinopathy-enteropathy-X-linked syndrome; IMMUNODEFICIENCY, POLYENDOCRINOPATHY, AND ENTEROPATHY, X-LINKED; DIABETES MELLITUS, CONGENITAL INSULIN-DEPENDENT, WITH FATAL SECRETORY DIARRHEA; DIARRHEA, POLYENDOCRINOPATHY, FATAL INFECTION SYNDROME, X-LINKED; ENTEROPATHY, AUTOIMMUNE, WITH HEMOLYTIC ANEMIA AND POLYENDOCRINOPATHY. Identifiers: Orphanet 37042, MedGen C0342288, MONDO:0010580, OMIM 304790. Disease mechanism: loss of function.

Allele frequency attached by ClinVar (database versions not stated): gnomAD exomes 0.00003; ExAC 0.00004.

Submissions (2):

Labcorp Genetics (formerly Invitae), Labcorp
Classification: Uncertain significance for Insulin-dependent diabetes mellitus secretory diarrhea syndrome. Last evaluated: 2025-01-29. Review status: criteria provided, single submitter. Criteria: Invitae Variant Classification Sherloc (09022015). Collection method: clinical testing. Allele origin: germline.
Comment: This sequence change replaces arginine, which is basic and polar, with histidine, which is basic and polar, at codon 369 of the FOXP3 protein (p.Arg369His). The frequency data for this variant in the population databases is considered unreliable, as metrics indicate poor data quality at this position in the gnomAD database. This variant has not been reported in the literature in individuals affected with FOXP3-related conditions. ClinVar contains an entry for this variant (Variation ID: 1354456). Invitae Evidence Modeling of protein sequence and biophysical properties (such as structural, functional, and spatial information, amino acid conservation, physicochemical variation, residue mobility, and thermodynamic stability) indicates that this missense variant is not expected to disrupt FOXP3 protein function with a negative predictive value of 80%. In summary, the available evidence is currently insufficient to determine the role of this variant in disease. Therefore, it has been classified as a Variant of Uncertain Significance.

Fulgent Genetics
Classification: Uncertain significance for Insulin-dependent diabetes mellitus secretory diarrhea syndrome. Last evaluated: 2024-04-30. Review status: criteria provided, single submitter. Criteria: ACMG Guidelines, 2015. Collection method: clinical testing. Allele origin: germline.